The following is an entry in ClinVar:

NM_001375567.1(FOCAD):c.2411C>T (p.Ser804Leu)

Gene: FOCAD (focadhesin; plus strand). Cytogenetic location: 9p21.3.
Variant type: single nucleotide variant.
Coding change: c.2411C>T on transcript NM_001375567.1 (MANE Select); coding-DNA position 2411, C replaced by T.
Protein change: p.Ser804Leu; replaces serine 804 with leucine.
Molecular consequence: missense variant.
Genome position (GRCh38, 1-based): chr9:20,881,964, C>T. VCF-style: chr9-20881964-C-T. GRCh37 (hg19) VCF-style: chr9-20881963-C-T.
Other names: c.2306C>T, p.Ser769Leu (NM_001375568.1, NM_001375570.1); c.2411C>T, p.Ser804Leu (NM_017794.5); short protein forms S769L, S804L.
Identifiers: ClinVar variation 4706633 (VCV004706633.1).

ClinVar aggregate classification (germline): Uncertain significance (1 of 4 stars; one submission).

gnomAD v4.1: 33 of 1,613,796 alleles (0.002%); highest among the groups gnomAD compares: Non-Finnish European, 0.0024%; no homozygotes.

Submission:

Labcorp Genetics (formerly Invitae), Labcorp
Classification: Uncertain significance. Last evaluated: 2025-06-30. Review status: criteria provided, single submitter. Criteria: Invitae Variant Classification Sherloc (09022015). Collection method: clinical testing. Allele origin: germline.
Comment: This sequence change replaces serine, which is neutral and polar, with leucine, which is neutral and non-polar, at codon 804 of the FOCAD protein (p.Ser804Leu). The frequency data for this variant in the population databases is considered unreliable, as metrics indicate poor data quality at this position in the gnomAD database. This variant has not been reported in the literature in individuals affected with FOCAD-related conditions. An algorithm developed to predict the effect of missense changes on protein structure and function outputs the following: PolyPhen-2: "Not Available". The leucine amino acid residue is found in multiple mammalian species, which suggests that this missense change does not adversely affect protein function. In summary, the available evidence is currently insufficient to determine the role of this variant in disease. Therefore, it has been classified as a Variant of Uncertain Significance.